The following is an entry in ClinVar:

NM_002764.4(PRPS1):c.143T>C (p.Val48Ala)

Gene: PRPS1 (phosphoribosyl pyrophosphate synthetase 1; plus strand). Cytogenetic location: Xq22.3.
Variant type: single nucleotide variant.
Coding change: c.143T>C on transcript NM_002764.4 (MANE Select); coding-DNA position 143, T replaced by C.
Protein change: p.Val48Ala; replaces valine 48 with alanine.
Molecular consequence: missense variant. On other transcripts: intron variant (1).
Genome position (GRCh38, 1-based): chrX:107,639,315, T>C. VCF-style: chrX-107639315-T-C. GRCh37 (hg19) VCF-style: chrX-106882545-T-C.
Other names: c.-82-5862T>C (NM_001204402.2); short protein forms V48A.
Identifiers: ClinVar variation 1521644 (VCV001521644.8), dbSNP rs2147681393, ClinGen allele CA413804334.

ClinVar aggregate classification (germline): Uncertain significance (1 of 4 stars; one submission).

Conditions:
Charcot-Marie-Tooth Neuropathy X. Identifiers: MedGen CN118851.

Submission:

Labcorp Genetics (formerly Invitae), Labcorp
Classification: Uncertain significance for Charcot-Marie-Tooth Neuropathy X. Last evaluated: 2021-05-08. Review status: criteria provided, single submitter. Criteria: Invitae Variant Classification Sherloc (09022015). Collection method: clinical testing. Allele origin: germline.
Comment: In summary, the available evidence is currently insufficient to determine the role of this variant in disease. Therefore, it has been classified as a Variant of Uncertain Significance. Algorithms developed to predict the effect of missense changes on protein structure and function are either unavailable or do not agree on the potential impact of this missense change (SIFT: "Deleterious"; PolyPhen-2: "Probably Damaging"; Align-GVGD: "Class C0"). This variant has not been reported in the literature in individuals with PRPS1-related conditions. This variant is not present in population databases (ExAC no frequency). This sequence change replaces valine with alanine at codon 48 of the PRPS1 protein (p.Val48Ala). The valine residue is highly conserved and there is a small physicochemical difference between valine and alanine.